The following is an entry in ClinVar:

ClinVar aggregate classification (germline): Uncertain significance. Review status: criteria provided, multiple submitters, no conflicts (2 of 4 stars). 2 submissions from 2 submitters: Uncertain significance (2). Last evaluated 2025-03-01.

Conditions:
Inborn genetic diseases. Identifiers: MedGen C0950123, MeSH D030342.

Allele frequency attached by ClinVar (database versions not stated): gnomAD 0.00001; TOPMed 0.00001.

Submissions (2):

CeGaT Center for Human Genetics Tuebingen
Classification: Uncertain significance. Last evaluated: 2025-03-01. Review status: criteria provided, single submitter. Criteria: CeGaT Center For Human Genetics Tuebingen Variant Classification Criteria Version 2. Collection method: clinical testing. Allele origin: germline. Affected: yes. Observed: 1 variant allele.
Comment: LTBP4: PM2

Ambry Genetics
Classification: Uncertain significance for Inborn genetic diseases. Last evaluated: 2021-09-15. Review status: criteria provided, single submitter. Criteria: Ambry Variant Classification Scheme 2023. Collection method: clinical testing. Allele origin: germline.

NM_001042545.2(LTBP4):c.1705G>T (p.Val569Leu)

Gene: LTBP4 (latent transforming growth factor beta binding protein 4; plus strand). Cytogenetic location: 19q13.2.
Variant type: single nucleotide variant.
Coding change: c.1705G>T on transcript NM_001042545.2 (MANE Select); coding-DNA position 1705, G replaced by T.
Protein change: p.Val569Leu; replaces valine 569 with leucine.
Molecular consequence: missense variant.
Genome position (GRCh38, 1-based): chr19:40,610,552, G>T. VCF-style: chr19-40610552-G-T. GRCh37 (hg19) VCF-style: chr19-41116458-G-T.
Other names: c.1906G>T, p.Val636Leu (NM_001042544.1); c.1795G>T, p.Val599Leu (NM_003573.2); short protein forms V599L, V569L, V636L.
Identifiers: ClinVar variation 2249623 (VCV002249623.9), dbSNP rs970529338, ClinGen allele CA308451250.
Genomic context (GRCh38, chr19:40,610,552, plus strand): 5'-CTGTCTGCCCCAGTCCCAGCCGCCTGGTCTGTGCCTACAGATGTGGACGAGTGCCACCGC[G>T]TGCCGCCGCCGTGTGACCTCGGGCGCTGCGAGAACACGCCAGGCAGCTTCCTGTGCGTGT-3'
Protein context (NP_001036010.1, residues 559-579): ECLDVDECHR[Val569Leu]PPPCDLGRCE